The following is an entry in ClinVar:

NM_006206.6(PDGFRA):c.854G>T (p.Ser285Ile)

Gene: PDGFRA (platelet derived growth factor receptor alpha; plus strand). Cytogenetic location: 4q12.
Variant type: single nucleotide variant.
Coding change: c.854G>T on transcript NM_006206.6 (MANE Select); coding-DNA position 854, G replaced by T.
Protein change: p.Ser285Ile; replaces serine 285 with isoleucine.
Molecular consequence: missense variant.
Genome position (GRCh38, 1-based): chr4:54,267,383, G>T. VCF-style: chr4-54267383-G-T. GRCh37 (hg19) VCF-style: chr4-55133550-G-T.
Other names: c.854G>T, p.Ser285Ile (NM_001347827.2, NM_001347829.2); c.929G>T, p.Ser310Ile (NM_001347828.2); c.893G>T, p.Ser298Ile (NM_001347830.2); short protein forms S285I, S298I, S310I.
Identifiers: ClinVar variation 4530356 (VCV004530356.1).
Genomic context (GRCh38, chr4:54,267,383, plus strand): 5'-AAGTCCCATCCATCAAATTGGTGTACACTTTGACGGTCCCCGAGGCCACGGTGAAAGACA[G>T]TGGAGATTACGAATGTGCTGCCCGCCAGGCTACCAGGGAGGTCAAAGAAATGAAGAAAGT-3'
Protein context (NP_006197.1, residues 275-295): LTVPEATVKD[Ser285Ile]GDYECAARQA

ClinVar aggregate classification (somatic clinical impact): Tier II - Potential (1 of 4 stars; one submission).

Conditions:
Diffuse midline glioma, H3 K27M-mutant. Identifiers: MedGen C4289688, MONDO:0957196.

Submission:

Institute for Genomic Medicine (IGM) Clinical Laboratory, Nationwide Children's Hospital
Classification: Tier II - Potential for Diffuse midline glioma, H3 K27M-mutant. Assertion type: diagnostic. Clinical significance: supports diagnosis. Last evaluated: 2025-04-04. Review status: criteria provided, single submitter. Criteria: AMP/ASCO/CAP Guidelines, 2017. Collection method: clinical testing. Allele origin: somatic. Affected: yes.
Comment: Variant has Tier II (potential) clinical significance as a diagnostic inclusion criterion in diffuse midline glioma, H3 K27M-mutant, based on the following evidence: 1) Documented in one or more cancer databases (e.g., St. Jude Pecan, COSMIC, CIViC, OncoKB). 2) Appears in one or more well-established professional guidelines (e.g., World Health Organization [WHO]; National Comprehensive Cancer Network [NCCN]) as providing diagnostic, prognostic, or therapeutic information. 3) Diagnostic significance based on multiple small studies (Evidence Level C; PMIDs: 24705251, 25230881, 27582545, 28966033, 29763623).

Literature cited by the submitters: PubMed 24705251; PubMed 25230881; PubMed 27582545; PubMed 28966033; PubMed 29763623.